The following is an entry in ClinVar:

ClinVar aggregate classification (germline): Pathogenic (1 of 4 stars; one submission).

Conditions:
RAPSN-related disorder. Also called: RAPSN-related condition; RAPSN-related disorders. Identifiers: MedGen CN239397.

Submission:

Myriad Genetics, Inc.
Classification: Pathogenic for RAPSN-related disorder. Last evaluated: 2026-07-19. Review status: criteria provided, single submitter. Criteria: Myriad Autosomal Dominant, Autosomal Recessive and X-Linked Classification Criteria (2023). Collection method: clinical testing. Allele origin: unknown.
Comment: NM_005055.4(RAPSN):c.598_599dupTG(W200Cfs*4) is expected to be pathogenic in the context of RAPSN-related disorders. This variant is predicted to lead to an abnormal or absent protein product due to the creation of a premature termination codon in RAPSN, a gene where loss-of-function variants are known to be pathogenic. Please note: this variant was assessed in the context of healthy population screening.

NM_005055.5(RAPSN):c.598_599dup (p.Trp200fs)

Gene: RAPSN (receptor associated protein of the synapse; minus strand). Cytogenetic location: 11p11.2.
Variant type: Duplication.
Coding change: c.598_599dup on transcript NM_005055.5 (MANE Select); coding-DNA positions 598 to 599, 2 bases duplicated (TG; older notation c.598_599dupTG).
Protein change: p.Trp200fs; shifts the reading frame from tryptophan 200.
Molecular consequence: frameshift variant. On other transcripts: intron variant (4).
Genome position (GRCh38, 1-based): chr11:47,442,747-47,442,748, CA duplicated on the plus strand (TG on the coding strand, the reverse complement: RAPSN is on the minus strand). VCF-style (leftmost placement, unchanged base first): chr11-47442746-C-CCA. GRCh37 (hg19) VCF-style: chr11-47464298-C-CCA.
Other names: c.598_599dup, p.Trp200fs (NM_001440490.1, NM_001440491.1, NM_001440492.1 and 8 more transcripts); c.259_260dup, p.Trp87fs (NM_001440504.1); c.532-827_532-826dup (NM_001440503.1, NM_001440493.1, NM_001440502.1 and 1 more transcripts); short protein forms W200fs, W87fs.
Identifiers: ClinVar variation 5016146 (VCV005016146.1).